The following is an entry in ClinVar:

NM_014339.7(IL17RA):c.2229C>G (p.Asp743Glu)

Gene: IL17RA (interleukin 17 receptor A; plus strand). Cytogenetic location: 22q11.1.
Variant type: single nucleotide variant.
Coding change: c.2229C>G on transcript NM_014339.7 (MANE Select); coding-DNA position 2229, C replaced by G.
Protein change: p.Asp743Glu; replaces aspartic acid 743 with glutamic acid.
Molecular consequence: missense variant.
Genome position (GRCh38, 1-based): chr22:17,109,448, C>G. VCF-style: chr22-17109448-C-G. GRCh37 (hg19) VCF-style: chr22-17590338-C-G.
Other names: c.2127C>G, p.Asp709Glu (NM_001289905.2); short protein forms D743E, D709E.
Identifiers: ClinVar variation 1489541 (VCV001489541.6), dbSNP rs768137463, ClinGen allele CA10086945.

ClinVar aggregate classification (germline): Uncertain significance (1 of 4 stars; one submission).

Conditions:
Immunodeficiency 51 (IMD51). Also called: CANDIDIASIS, FAMILIAL, 5. Identifiers: Orphanet 1334, MedGen C4310803, MONDO:0013500, OMIM 613953.

Allele frequency attached by ClinVar (database versions not stated): ExAC 0.00001; gnomAD 0.00001; gnomAD exomes 0.00001 and 0.00002; TOPMed 0.00001.
gnomAD v4.1: 23 of 1,613,226 alleles (0.0014%); highest among the groups gnomAD compares: Non-Finnish European, 0.0019%; no homozygotes.

Submission:

Labcorp Genetics (formerly Invitae), Labcorp
Classification: Uncertain significance for Immunodeficiency 51. Last evaluated: 2021-11-09. Review status: criteria provided, single submitter. Criteria: Invitae Variant Classification Sherloc (09022015). Collection method: clinical testing. Allele origin: germline.
Comment: Algorithms developed to predict the effect of missense changes on protein structure and function output the following: SIFT: "Tolerated"; PolyPhen-2: "Benign"; Align-GVGD: "Class C0". The glutamic acid amino acid residue is found in multiple mammalian species, which suggests that this missense change does not adversely affect protein function. This sequence change replaces aspartic acid, which is acidic and polar, with glutamic acid, which is acidic and polar, at codon 743 of the IL17RA protein (p.Asp743Glu). This variant is present in population databases (rs768137463, gnomAD 0.003%). This variant has not been reported in the literature in individuals affected with IL17RA-related conditions. Algorithms developed to predict the effect of sequence changes on RNA splicing suggest that this variant may create or strengthen a splice site. In summary, the available evidence is currently insufficient to determine the role of this variant in disease. Therefore, it has been classified as a Variant of Uncertain Significance.